The following is an entry in ClinVar:

ClinVar aggregate classification (germline): Uncertain significance (1 of 4 stars; one submission).

Submission:

Labcorp Genetics (formerly Invitae), Labcorp
Classification: Uncertain significance. Last evaluated: 2022-03-04. Review status: criteria provided, single submitter. Criteria: Invitae Variant Classification Sherloc (09022015). Collection method: clinical testing. Allele origin: germline.
Comment: This sequence change replaces serine, which is neutral and polar, with leucine, which is neutral and non-polar, at codon 1493 of the LAMA1 protein (p.Ser1493Leu). The frequency data for this variant in the population databases is considered unreliable, as metrics indicate poor data quality at this position in the gnomAD database. This variant has not been reported in the literature in individuals affected with LAMA1-related conditions. Algorithms developed to predict the effect of missense changes on protein structure and function are either unavailable or do not agree on the potential impact of this missense change (SIFT: "Not Available"; PolyPhen-2: "Benign"; Align-GVGD: "Not Available"). In summary, the available evidence is currently insufficient to determine the role of this variant in disease. Therefore, it has been classified as a Variant of Uncertain Significance.

NM_005559.4(LAMA1):c.4478_4479inv (p.Ser1493Leu)

Gene: LAMA1 (laminin subunit alpha 1; minus strand). Cytogenetic location: 18p11.31.
Variant type: Inversion.
Coding change: c.4478_4479inv on transcript NM_005559.4 (MANE Select).
Protein change: p.Ser1493Leu; replaces serine 1493 with leucine.
Molecular consequence: missense variant.
Genome position: GRCh38 VCF-style: chr18-6999629-TG-CA. GRCh37 (hg19) VCF-style: chr18-6999628-TG-CA.
Other names: short protein forms S1493L.
Identifiers: ClinVar variation 1524305 (VCV001524305.3), ClinGen allele CA2573155095.
Genomic context (GRCh38, chr18:6,999,629, plus strand): 5'-CGGGTTGCAGTCACACTTCTGGCAACTGCCACCTGGTGTTTGAGGGTTCCCATAATAGCT[TG>CA]AGGAGCACCTACAGAAAGGAAGGGACATAGGTGCAGACAGGATGGTCAATACCAGCTTCT-3'
Protein context (NP_005550.2, residues 1483-1503): YEGKHCERCS[Ser1493Leu]SYYGNPQTPG